The following is an entry in ClinVar:

NM_001395413.1(POR):c.1437G>C (p.Glu479Asp)

Gene: POR (cytochrome p450 oxidoreductase; plus strand). Cytogenetic location: 7q11.23.
Variant type: single nucleotide variant.
Coding change: c.1437G>C on transcript NM_001395413.1 (MANE Select); coding-DNA position 1437, G replaced by C.
Protein change: p.Glu479Asp; replaces glutamic acid 479 with aspartic acid.
Molecular consequence: missense variant.
Genome position (GRCh38, 1-based): chr7:75,985,626, G>C. VCF-style: chr7-75985626-G-C. GRCh37 (hg19) VCF-style: chr7-75614944-G-C.
Other names: c.1437G>C, p.Glu479Asp (NM_001367562.3, NM_001382657.2, NM_001382658.3 and 1 more transcripts); c.1491G>C, p.Glu497Asp (NM_001382655.3); c.1287G>C, p.Glu429Asp (NM_001382662.3); c.1446G>C (NM_000941.2); short protein forms E479D, E497D, E429D.
Identifiers: ClinVar variation 4990870 (VCV004990870.1).

ClinVar aggregate classification (germline): Uncertain significance (1 of 4 stars; one submission).

Conditions:
POR-related disorder. Also called: POR-related condition.

Submission:

PreventionGenetics, part of Exact Sciences
Classification: Uncertain significance for POR-related condition. Last evaluated: 2025-08-19. Review status: criteria provided, single submitter. Criteria: ACMG Guidelines, 2015. Collection method: clinical testing. Allele origin: germline.
Comment: The POR c.1446G>C variant is predicted to result in the amino acid substitution p.Glu482Asp. To our knowledge, this variant has not been reported in the literature or in a large population database (gnomAD), indicating this variant is rare. At this time, the clinical significance of this variant is uncertain due to the absence of conclusive functional and genetic evidence.